The following is an entry in ClinVar:

NM_004336.5(BUB1):c.1992G>T (p.Gln664His)

Gene: BUB1 (BUB1 mitotic checkpoint serine/threonine kinase; minus strand). Cytogenetic location: 2q13.
Variant type: single nucleotide variant.
Coding change: c.1992G>T on transcript NM_004336.5 (MANE Select); coding-DNA position 1992, G replaced by T.
Protein change: p.Gln664His; replaces glutamine 664 with histidine.
Molecular consequence: missense variant.
Genome position (GRCh38, 1-based): chr2:110,650,757, C>A on the plus strand (G>T on the coding strand, the complement: BUB1 is on the minus strand). VCF-style: chr2-110650757-C-A. GRCh37 (hg19) VCF-style: chr2-111408334-C-A.
Other names: c.1932G>T, p.Gln644His (NM_001278616.2); c.1992G>T, p.Gln664His (NM_001278617.2); short protein forms Q644H, Q664H.
Identifiers: ClinVar variation 3483014 (VCV003483014.1).

ClinVar aggregate classification (germline): Uncertain significance (1 of 4 stars; one submission).

Submission:

Ambry Genetics
Classification: Uncertain significance. Last evaluated: 2024-06-29. Review status: criteria provided, single submitter. Criteria: Ambry Variant Classification Scheme 2023. Collection method: clinical testing. Allele origin: germline.
Comment: The p.Q664H variant (also known as c.1992G>T), located in coding exon 18 of the BUB1 gene, results from a G to T substitution at nucleotide position 1992. The glutamine at codon 664 is replaced by histidine, an amino acid with highly similar properties. This amino acid position is conserved. In addition, this alteration is predicted to be tolerated by in silico analysis. Based on the available evidence, the clinical significance of this variant remains unclear.